The following is an entry in ClinVar:

NM_000179.3(MSH6):c.3748del (p.His1250fs)

Gene: MSH6 (mutS homolog 6; plus strand). Cytogenetic location: 2p16.3.
Variant type: Deletion.
Coding change: c.3748del on transcript NM_000179.3 (MANE Select); coding-DNA position 3748, one base deleted (C; older notation c.3748delC).
Protein change: p.His1250fs; shifts the reading frame from histidine 1250.
Molecular consequence: frameshift variant. On other transcripts: non-coding transcript variant (5).
Genome position (GRCh38, 1-based): chr2:47,806,305, C deleted; the last of 2 consecutive C bases (chr2:47,806,304-47,806,305); deleting either gives the same sequence. VCF-style (leftmost placement, unchanged base first): chr2-47806303-AC-A. GRCh37 (hg19) VCF-style: chr2-48033442-AC-A.
Other names: c.3358del, p.His1120fs (NM_001281492.2); c.2842del, p.His948fs (NM_001281493.2, NM_001281494.2, NM_001406811.1 and 6 more transcripts); c.3844del, p.His1282fs (NM_001406795.1, NM_001406802.1); c.3748del, p.His1250fs (NM_001406796.1, NM_001406800.1, NM_001406808.1 and 1 more transcripts); c.3451del, p.His1151fs (NM_001406797.1, NM_001406801.1, NM_001406805.1 and 10 more transcripts); c.3574del, p.His1192fs (NM_001406798.1); c.3223del, p.His1075fs (NM_001406799.1, NM_001406806.1, NM_001406807.1); c.2884del, p.His962fs (NM_001406803.1); and 7 more; short protein forms H1151fs, H1194fs, H1252fs, H565fs, H1250fs, H948fs, H962fs, H1075fs.
Identifiers: ClinVar variation 4734377 (VCV004734377.2).

ClinVar aggregate classification (germline): Pathogenic. Review status: criteria provided, multiple submitters, no conflicts (2 of 4 stars). 2 submissions from 2 submitters: Pathogenic (2). Last evaluated 2026-06-15.

Conditions:
Hereditary cancer-predisposing syndrome. Also called: Hereditary Cancer Syndrome; Hereditary neoplastic syndrome; Neoplastic Syndromes, Hereditary; Tumor predisposition. Identifiers: Orphanet 140162, MedGen C0027672, MeSH D009386, MONDO:0015356.
Hereditary nonpolyposis colorectal neoplasms. Identifiers: MedGen C0009405, MeSH D003123.

Submissions (2):

Ambry Genetics
Classification: Pathogenic for Hereditary cancer-predisposing syndrome. Last evaluated: 2026-06-15. Review status: criteria provided, single submitter. Criteria: Ambry Variant Classification Scheme 2023. Collection method: clinical testing. Allele origin: germline.
Comment: The c.3748delC pathogenic mutation, located in coding exon 8 of the MSH6 gene, results from a deletion of one nucleotide at nucleotide position 3748, causing a translational frameshift with a predicted alternate stop codon (p.H1250Ifs*3). This variant is considered to be rare based on population cohorts in the Genome Aggregation Database (gnomAD). This alteration is expected to result in loss of function by premature protein truncation or nonsense-mediated mRNA decay. As such, this alteration is interpreted as a disease-causing mutation.

Labcorp Genetics (formerly Invitae), Labcorp
Classification: Pathogenic for Hereditary nonpolyposis colorectal neoplasms. Last evaluated: 2025-12-30. Review status: criteria provided, single submitter. Criteria: Invitae Variant Classification Sherloc (09022015). Collection method: clinical testing. Allele origin: germline.
Comment: This sequence change creates a premature translational stop signal (p.His1250Ilefs*3) in the MSH6 gene. It is expected to result in an absent or disrupted protein product. Loss-of-function variants in MSH6 are known to be pathogenic (PMID: 18269114, 24362816). This variant is not present in population databases (gnomAD no frequency). This variant has not been reported in the literature in individuals affected with MSH6-related conditions. For these reasons, this variant has been classified as Pathogenic.

Literature cited by the submitters: PubMed 18269114 (cited by Labcorp Genetics (formerly Invitae), Labcorp); PubMed 24362816 (cited by Labcorp Genetics (formerly Invitae), Labcorp).